The following is an entry in ClinVar:

ClinVar aggregate classification (germline): Benign. Review status: criteria provided, multiple submitters, no conflicts (2 of 4 stars). 7 submissions from 7 submitters: Benign (6). 1 of the submissions does not count toward it. Last evaluated 2026-02-04.

Conditions:
Autosomal recessive cerebellar ataxia-saccadic intrusion syndrome. Also called: SPINOCEREBELLAR ATAXIA 24; VPS13D Movement Disorder. Identifiers: Orphanet 95434, MedGen C1846492, MONDO:0011811, OMIM 607317.
VPS13D-related disorder. Also called: VPS13D-related condition.

Allele frequency attached by ClinVar (database versions not stated): gnomAD 0.78408 and 0.78543; TOPMed 0.78467; gnomAD exomes 0.78767; ESP Exome Variant Server 0.78856; ExAC 0.79103; 1000 Genomes Project 0.79673; 1000 Genomes Project 30x 0.79903.
gnomAD v4.1: 1,290,061 of 1,613,470 alleles (80%); highest among the groups gnomAD compares: East Asian, 91%; 516,863 homozygotes.

Submissions (7):

Labcorp Genetics (formerly Invitae), Labcorp
Classification: Benign. Last evaluated: 2026-02-04. Review status: criteria provided, single submitter. Criteria: Invitae Variant Classification Sherloc (09022015). Collection method: clinical testing. Allele origin: germline.

Blueprint Genetics
Classification: Benign. Last evaluated: 2024-11-26. Review status: criteria provided, single submitter. Criteria: ACMG Guidelines, 2015. Collection method: clinical testing. Allele origin: germline.

Mayo Clinic Laboratories, Mayo Clinic
Classification: Benign. Last evaluated: 2022-03-24. Review status: criteria provided, single submitter. Criteria: ACMG Guidelines, 2015. Collection method: clinical testing. Allele origin: germline. Observed: 1,837 variant alleles.

Genome-Nilou Lab
Classification: Benign for Autosomal recessive cerebellar ataxia-saccadic intrusion syndrome. Last evaluated: 2021-12-05. Review status: criteria provided, single submitter. Criteria: ACMG Guidelines, 2015. Collection method: clinical testing. Allele origin: germline. Affected: no.

GeneDx
Classification: Benign. Last evaluated: 2018-11-02. Review status: criteria provided, single submitter. Criteria: GeneDx Variant Classification Process June 2021. Collection method: clinical testing. Allele origin: germline. Affected: yes.

Breakthrough Genomics
Classification: Benign. Review status: criteria provided, single submitter. Criteria: ACMG Guidelines, 2015. Collection method: not provided. Allele origin: germline. Inheritance: Autosomal recessive inheritance. Affected: yes.

PreventionGenetics, part of Exact Sciences
Classification: Benign for VPS13D-related condition. Last evaluated: 2019-07-08. Review status: no assertion criteria provided. Collection method: clinical testing. Allele origin: germline. Not counted in ClinVar's aggregate classification.
Comment: This variant is classified as benign based on ACMG/AMP sequence variant interpretation guidelines (Richards et al. 2015 PMID: 25741868, with internal and published modifications).

NM_015378.4(VPS13D):c.8658A>C (p.Pro2886=)

Gene: VPS13D (vacuolar protein sorting 13 homolog D; plus strand). Cytogenetic location: 1p36.22.
Variant type: single nucleotide variant.
Coding change: c.8658A>C on transcript NM_015378.4 (MANE Select); coding-DNA position 8658, A replaced by C.
Protein change: p.Pro2886=; no amino-acid change (proline 2886 retained).
Molecular consequence: synonymous variant.
Genome position (GRCh38, 1-based): chr1:12,341,811, A>C. VCF-style: chr1-12341811-A-C. GRCh37 (hg19) VCF-style: chr1-12401868-A-C.
Other names: p.Pro2886=; c.8583A>C, p.Pro2861= (NM_018156.4).
Identifiers: ClinVar variation 1274892 (VCV001274892.15), dbSNP rs28551666, ClinGen allele CA603206.
Genomic context (GRCh38, chr1:12,341,811, plus strand): 5'-TGCTCATAGCCTTCTTCTGTTTGTCGTAGCAGAGGTGAAAACCCCCAAGCGCCGGCAGCC[A>C]TTTGTCCCCTTTGCTCTGAGGAACCACACGGGGTGCACTTTGTGGTTTGCCACCCTGACC-3'
Protein context (NP_056193.2, residues 2876-2896): AEVKTPKRRQ[Pro2886=]FVPFALRNHT